The following is an entry in ClinVar:

NM_000222.3(KIT):c.185G>A (p.Gly62Asp)

Gene: KIT (KIT proto-oncogene, receptor tyrosine kinase; plus strand). Cytogenetic location: 4q12.
Variant type: single nucleotide variant.
Coding change: c.185G>A on transcript NM_000222.3 (MANE Select); coding-DNA position 185, G replaced by A.
Protein change: p.Gly62Asp; replaces glycine 62 with aspartic acid.
Molecular consequence: missense variant.
Genome position (GRCh38, 1-based): chr4:54,695,629, G>A. VCF-style: chr4-54695629-G-A. GRCh37 (hg19) VCF-style: chr4-55561795-G-A.
Other names: c.185G>A, p.Gly62Asp (NM_001093772.2, NM_001385284.1, NM_001385285.1 and 4 more transcripts); short protein forms G62D.
Identifiers: ClinVar variation 848686 (VCV000848686.11), dbSNP rs1720011052, ClinGen allele CA356897009.

ClinVar aggregate classification (germline): Uncertain significance. Review status: criteria provided, multiple submitters, no conflicts (2 of 4 stars). 2 submissions from 2 submitters: Uncertain significance (2). Last evaluated 2025-06-24.

Conditions:
Hereditary cancer-predisposing syndrome. Also called: Neoplastic Syndromes, Hereditary; Tumor predisposition; Hereditary Cancer Syndrome; Hereditary neoplastic syndrome. Identifiers: Orphanet 140162, MedGen C0027672, MeSH D009386, MONDO:0015356.
Gastrointestinal stromal tumor. Also called: Gastrointestinal stromal tumor, somatic; Gastrointestinal stroma tumor. Identifiers: Orphanet 44890, MedGen C0238198, MeSH D046152, MONDO:0011719, OMIM 606764, HP:0100723.

Submissions (2):

Labcorp Genetics (formerly Invitae), Labcorp
Classification: Uncertain significance for Gastrointestinal stromal tumor. Last evaluated: 2025-06-24. Review status: criteria provided, single submitter. Criteria: Invitae Variant Classification Sherloc (09022015). Collection method: clinical testing. Allele origin: germline.
Comment: This sequence change replaces glycine, which is neutral and non-polar, with aspartic acid, which is acidic and polar, at codon 62 of the KIT protein (p.Gly62Asp). This variant is not present in population databases (gnomAD no frequency). This variant has not been reported in the literature in individuals affected with KIT-related conditions. ClinVar contains an entry for this variant (Variation ID: 848686). An algorithm developed to predict the effect of missense changes on protein structure and function outputs the following: PolyPhen-2: "Benign". The aspartic acid amino acid residue is found in multiple mammalian species, which suggests that this missense change does not adversely affect protein function. In summary, the available evidence is currently insufficient to determine the role of this variant in disease. Therefore, it has been classified as a Variant of Uncertain Significance.

Ambry Genetics
Classification: Uncertain significance for Hereditary cancer-predisposing syndrome. Last evaluated: 2025-06-02. Review status: criteria provided, single submitter. Criteria: Ambry Variant Classification Scheme 2023. Collection method: clinical testing. Allele origin: germline.
Comment: The p.G62D variant (also known as c.185G>A), located in coding exon 2 of the KIT gene, results from a G to A substitution at nucleotide position 185. The glycine at codon 62 is replaced by aspartic acid, an amino acid with similar properties. This amino acid position is conserved. In addition, this alteration is predicted to be tolerated by in silico analysis. Based on the available evidence, the clinical significance of this variant remains unclear.